The following is an entry in ClinVar:

ClinVar aggregate classification (germline): Benign. Review status: criteria provided, multiple submitters, no conflicts (2 of 4 stars). 2 submissions from 2 submitters: Benign (2). Last evaluated 2018-01-13.

Conditions:
Heterotaxy, visceral, 4, autosomal (HTX4). Identifiers: Orphanet 450, MedGen C3151057, MONDO:0013403, OMIM 613751.

Allele frequency attached by ClinVar (database versions not stated): gnomAD 0.60530 and 0.60684; TOPMed 0.60820; 1000 Genomes Project 30x 0.61524; 1000 Genomes Project 0.61621; gnomAD exomes 0.68293.
gnomAD v4.1: 92,192 of 152,116 alleles (61%); highest among the groups gnomAD compares: East Asian, 62%; 28,067 homozygotes.

Submissions (2):

Illumina Laboratory Services, Illumina
Classification: Benign for Heterotaxy, visceral, 4, autosomal. Last evaluated: 2018-01-13. Review status: criteria provided, single submitter. Criteria: ICSL Variant Classification Criteria 13 December 2019. Collection method: clinical testing. Allele origin: germline.
Comment: This variant was observed in the ICSL laboratory as part of a predisposition screen in an ostensibly healthy population. It had not been previously curated by ICSL or reported in the Human Gene Mutation Database (HGMD: prior to June 1st, 2018), and was therefore a candidate for classification through an automated scoring system. Utilizing variant allele frequency, disease prevalence and penetrance estimates, and inheritance mode, an automated score was calculated to assess if this variant is too frequent to cause the disease. Based on the score and internal cut-off values, a variant classified as benign is not then subjected to further curation. The score for this variant resulted in a classification of benign for this disease.

Breakthrough Genomics
Classification: Benign. Review status: criteria provided, single submitter. Criteria: ACMG Guidelines, 2015. Collection method: not provided. Allele origin: germline. Inheritance: Unknown mechanism. Affected: yes.

NM_001106.4(ACVR2B):c.*3090C>T

Gene: ACVR2B (activin A receptor type 2B; plus strand). Cytogenetic location: 3p22.2.
Variant type: single nucleotide variant.
Coding change: c.*3090C>T on transcript NM_001106.4 (MANE Select); 3090 bases downstream of the stop codon, C replaced by T.
Molecular consequence: 3 prime UTR variant.
Genome position (GRCh38, 1-based): chr3:38,486,422, C>T. VCF-style: chr3-38486422-C-T. GRCh37 (hg19) VCF-style: chr3-38527913-C-T.
Identifiers: ClinVar variation 344974 (VCV000344974.6), dbSNP rs11926767, ClinGen allele CA10615746.
Genomic context (GRCh38, chr3:38,486,422, plus strand): 5'-GGATCTCCTTATAGGGCATGGGTCTAGGAGCACAGATGGGCCTTTTGCCCCGGGTAAATG[C>T]TTGTCTGTTTGCTGTCATGTGTTCTTTGAGGAGTGAGCCATCTCGAGCCCTGCTTTGAAT-3'